The following is an entry in ClinVar:

NM_012186.3(FOXE3):c.680C>G (p.Pro227Arg)

Genes: FOXE3 (forkhead box E3; plus strand), LINC01389 (long intergenic non-protein coding RNA 1389; minus strand). Cytogenetic location: 1p33.
Variant type: single nucleotide variant.
Coding change: c.680C>G on transcript NM_012186.3 (MANE Select); coding-DNA position 680, C replaced by G.
Protein change: p.Pro227Arg; replaces proline 227 with arginine.
Molecular consequence: missense variant.
Genome position (GRCh38, 1-based): chr1:47,416,995, C>G. VCF-style: chr1-47416995-C-G. GRCh37 (hg19) VCF-style: chr1-47882667-C-G.
Other names: short protein forms P227R.
Identifiers: ClinVar variation 3851318 (VCV003851318.1).
Genomic context (GRCh38, chr1:47,416,995, plus strand): 5'-GACCGGGCCCCTCGCCGCCCGCGCGTCTGTTCAGCGTCGACAGCCTGGTGAACCTGCAGC[C>G]GGAGCTAGCGGGGCTGGGCGCCCCCGAGCCGCCCTGCTGCGCCGCGCCCGACGCCGCAGC-3'
Protein context (NP_036318.1, residues 217-237): FSVDSLVNLQ[Pro227Arg]ELAGLGAPEP

ClinVar aggregate classification (germline): Uncertain significance (1 of 4 stars; one submission).

Conditions:
Cardiovascular phenotype. Identifiers: MedGen CN230736.

Submission:

Ambry Genetics
Classification: Uncertain significance for Cardiovascular phenotype. Last evaluated: 2025-01-28. Review status: criteria provided, single submitter. Criteria: Ambry Variant Classification Scheme 2023. Collection method: clinical testing. Allele origin: germline.
Comment: The p.P227R variant (also known as c.680C>G), located in coding exon 1 of the FOXE3 gene, results from a C to G substitution at nucleotide position 680. The proline at codon 227 is replaced by arginine, an amino acid with dissimilar properties. This amino acid position is conserved. In addition, this alteration is predicted to be tolerated by in silico analysis. Based on the available evidence, the clinical significance of this variant remains unclear.